The following is an entry in ClinVar:

NM_017433.5(MYO3A):c.520C>G (p.Gln174Glu)

Gene: MYO3A (myosin IIIA; plus strand). Cytogenetic location: 10p12.1.
Variant type: single nucleotide variant.
Coding change: c.520C>G on transcript NM_017433.5 (MANE Select); coding-DNA position 520, C replaced by G.
Protein change: p.Gln174Glu; replaces glutamine 174 with glutamic acid.
Molecular consequence: missense variant.
Genome position (GRCh38, 1-based): chr10:26,016,831, C>G. VCF-style: chr10-26016831-C-G. GRCh37 (hg19) VCF-style: chr10-26305760-C-G.
Other names: c.520C>G, p.Gln174Glu (NM_001368265.1); short protein forms Q174E.
Identifiers: ClinVar variation 3712195 (VCV003712195.2).
Genomic context (GRCh38, chr10:26,016,831, plus strand): 5'-TTTATATGAGTAATTAATGCAAAAAAGTACATCTTGTCTCTTCCTCTAGGTGTGTCTGCA[C>G]AGCTCACCAGTACCCGGCACCGTCGGAACACATCCGTAGGAACACCGTTTTGGATGGCTC-3'
Protein context (NP_059129.3, residues 164-184): VKLVDFGVSA[Gln174Glu]LTSTRHRRNT

ClinVar aggregate classification (germline): Uncertain significance (1 of 4 stars; one submission).

gnomAD v4.1: 7 of 1,614,040 alleles (0.00043%); highest among the groups gnomAD compares: African/African-American, 0.0013%; no homozygotes.

Submission:

Labcorp Genetics (formerly Invitae), Labcorp
Classification: Uncertain significance. Last evaluated: 2024-07-15. Review status: criteria provided, single submitter. Criteria: Invitae Variant Classification Sherloc (09022015). Collection method: clinical testing. Allele origin: germline.
Comment: This sequence change replaces glutamine, which is neutral and polar, with glutamic acid, which is acidic and polar, at codon 174 of the MYO3A protein (p.Gln174Glu). This variant is present in population databases (rs200823072, gnomAD 0.002%). This variant has not been reported in the literature in individuals affected with MYO3A-related conditions. An algorithm developed to predict the effect of missense changes on protein structure and function (PolyPhen-2) suggests that this variant is likely to be disruptive. In summary, the available evidence is currently insufficient to determine the role of this variant in disease. Therefore, it has been classified as a Variant of Uncertain Significance.